The following is an entry in ClinVar:

ClinVar aggregate classification (germline): Uncertain significance (1 of 4 stars; one submission).

Conditions:
Familial acute necrotizing encephalopathy (IIAE3). Also called: Susceptibility to Acute Necrotizing Encephalopathy 1; ENCEPHALOPATHY, ACUTE, INFECTION-INDUCED, SUSCEPTIBILITY TO, 3. Identifiers: Orphanet 88619, MedGen C2675556, MONDO:0011953, OMIM 608033.

Submission:

Labcorp Genetics (formerly Invitae), Labcorp
Classification: Uncertain significance for Familial acute necrotizing encephalopathy. Last evaluated: 2024-03-14. Review status: criteria provided, single submitter. Criteria: Invitae Variant Classification Sherloc (09022015). Collection method: clinical testing. Allele origin: germline.
Comment: This variant, c.914_916del, results in the deletion of 1 amino acid(s) of the RANBP2 protein (p.Ser305del), but otherwise preserves the integrity of the reading frame. This variant is present in population databases (rs780185468, gnomAD 0.06%), and has an allele count higher than expected for a pathogenic variant. This variant has not been reported in the literature in individuals affected with RANBP2-related conditions. ClinVar contains an entry for this variant (Variation ID: 469497). Experimental studies and prediction algorithms are not available or were not evaluated, and the functional significance of this variant is currently unknown. In summary, the available evidence is currently insufficient to determine the role of this variant in disease. Therefore, it has been classified as a Variant of Uncertain Significance.

NM_006267.5(RANBP2):c.911GTA[1] (p.Ser305del)

Gene: RANBP2 (RAN binding protein 2; plus strand). Cytogenetic location: 2q13.
Variant type: Microsatellite.
Coding change: c.911GTA[1] on transcript NM_006267.5 (MANE Select); one copy of the 3-base unit GTA starting at c.911; the reference has two copies in a row; one copy, 3 bases deleted.
Protein change: p.Ser305del; deletes serine 305.
Molecular consequence: inframe deletion.
Genome position (GRCh38, 1-based): chr2:108,740,620-108,740,622, GTA deleted; deleting any 3 consecutive bases within chr2:108,740,615-108,740,622 gives the same sequence; the position shown is the placement nearest the transcript's 3' end. VCF-style (leftmost placement, unchanged base first): chr2-108740614-ATAG-A. GRCh37 (hg19) VCF-style: chr2-109357070-ATAG-A.
Other names: short protein forms S305del.
Identifiers: ClinVar variation 469497 (VCV000469497.6), dbSNP rs780185468, ClinGen allele CA1822160.